The following is an entry in ClinVar:

NM_002471.4(MYH6):c.5779C>T (p.Arg1927Cys)

Gene: MYH6 (myosin heavy chain 6; minus strand). Cytogenetic location: 14q11.2.
Variant type: single nucleotide variant.
Coding change: c.5779C>T on transcript NM_002471.4 (MANE Select); coding-DNA position 5779, C replaced by T.
Protein change: p.Arg1927Cys; replaces arginine 1927 with cysteine.
Molecular consequence: missense variant.
Genome position (GRCh38, 1-based): chr14:23,382,445, G>A on the plus strand (C>T on the coding strand, the complement: MYH6 is on the minus strand). VCF-style: chr14-23382445-G-A. GRCh37 (hg19) VCF-style: chr14-23851654-G-A.
Other names: short protein forms R1927C.
Identifiers: ClinVar variation 646238 (VCV000646238.10), dbSNP rs1424944982, ClinGen allele CA388981171.

ClinVar aggregate classification (germline): Uncertain significance. Review status: criteria provided, multiple submitters, no conflicts (2 of 4 stars). 3 submissions from 3 submitters: Uncertain significance (3). Last evaluated 2024-11-03.

Conditions:
Cardiovascular phenotype. Identifiers: MedGen CN230736.
Hypertrophic cardiomyopathy 14. Identifiers: MedGen C2750467, MONDO:0013197, OMIM 613251.

Allele frequency attached by ClinVar (database versions not stated): gnomAD 0.00001; gnomAD exomes 0.00001; TOPMed 0.00001.
gnomAD v4.1: 12 of 1,614,000 alleles (0.00074%); highest among the groups gnomAD compares: African/African-American, 0.0053%; no homozygotes.

Submissions (3):

Labcorp Genetics (formerly Invitae), Labcorp
Classification: Uncertain significance for Hypertrophic cardiomyopathy 14. Last evaluated: 2024-11-03. Review status: criteria provided, single submitter. Criteria: Invitae Variant Classification Sherloc (09022015). Collection method: clinical testing. Allele origin: germline.
Comment: This sequence change replaces arginine, which is basic and polar, with cysteine, which is neutral and slightly polar, at codon 1927 of the MYH6 protein (p.Arg1927Cys). This variant is not present in population databases (gnomAD no frequency). This variant has not been reported in the literature in individuals affected with MYH6-related conditions. ClinVar contains an entry for this variant (Variation ID: 646238). Invitae Evidence Modeling of protein sequence and biophysical properties (such as structural, functional, and spatial information, amino acid conservation, physicochemical variation, residue mobility, and thermodynamic stability) indicates that this missense variant is expected to disrupt MYH6 protein function with a positive predictive value of 80%. In summary, the available evidence is currently insufficient to determine the role of this variant in disease. Therefore, it has been classified as a Variant of Uncertain Significance.

Ambry Genetics
Classification: Uncertain significance for Cardiovascular phenotype. Last evaluated: 2024-04-26. Review status: criteria provided, single submitter. Criteria: Ambry Variant Classification Scheme 2023. Collection method: clinical testing. Allele origin: germline.
Comment: The p.R1927C variant (also known as c.5779C>T), located in coding exon 36 of the MYH6 gene, results from a C to T substitution at nucleotide position 5779. The arginine at codon 1927 is replaced by cysteine, an amino acid with highly dissimilar properties. This amino acid position is highly conserved in available vertebrate species. In addition, this alteration is predicted to be deleterious by in silico analysis. Based on the available evidence, the clinical significance of this variant remains unclear.

GeneDx
Classification: Uncertain significance. Last evaluated: 2022-07-07. Review status: criteria provided, single submitter. Criteria: GeneDx Variant Classification Process June 2021. Collection method: clinical testing. Allele origin: germline. Affected: yes.
Comment: Not observed at significant frequency in large population cohorts (gnomAD); In silico analysis supports that this missense variant has a deleterious effect on protein structure/function; Has not been previously published as pathogenic or benign to our knowledge